The following is an entry in ClinVar:

NM_000143.4(FH):c.546T>A (p.Asn182Lys)

Gene: FH (fumarate hydratase; minus strand). Cytogenetic location: 1q43.
Variant type: single nucleotide variant.
Coding change: c.546T>A on transcript NM_000143.4 (MANE Select); coding-DNA position 546, T replaced by A.
Protein change: p.Asn182Lys; replaces asparagine 182 with lysine.
Molecular consequence: missense variant.
Genome position (GRCh38, 1-based): chr1:241,511,976, A>T on the plus strand (T>A on the coding strand, the complement: FH is on the minus strand). VCF-style: chr1-241511976-A-T. GRCh37 (hg19) VCF-style: chr1-241675276-A-T.
Other names: short protein forms N182K.
Identifiers: ClinVar variation 4530042 (VCV004530042.1).

ClinVar aggregate classification (somatic clinical impact): Tier I - Strong (1 of 4 stars; one submission).

Conditions:
Papillary renal cell carcinoma (RCCP). Also called: Papillary renal cell carcinoma, sporadic - (subtype); Papillary renal cell carcinoma, bilateral - (subtype); Papillary renal cell carcinoma, multiple - (subtype); Papillary renal cell carcinoma, familial - (subtype); Papillary renal carcinoma, malignant - (subtype). Identifiers: Orphanet 319298, MedGen C1306837, MONDO:0017884, HP:0006766.

Submission:

Institute for Genomic Medicine (IGM) Clinical Laboratory, Nationwide Children's Hospital
Classification: Tier I - Strong for Papillary renal cell carcinoma. Assertion type: diagnostic. Clinical significance: supports diagnosis. Last evaluated: 2023-12-15. Review status: criteria provided, single submitter. Criteria: AMP/ASCO/CAP Guidelines, 2017. Collection method: clinical testing. Allele origin: somatic. Affected: yes.
Comment: Variant has Tier I (strong) clinical significance as a diagnostic inclusion criterion in papillary renal cell carcinoma, based on the following evidence: 1) Diagnostic for a specific tumor type/classification according to professional guidelines (Evidence Level A; PMIDs: 25790038, 26536169, 27580029, 29617669, 31262952).

Literature cited by the submitters: PubMed 25790038; PubMed 26536169; PubMed 27580029; PubMed 29617669; PubMed 31262952.